The following is an entry in ClinVar:

ClinVar aggregate classification (germline): Benign/Likely benign. Review status: criteria provided, multiple submitters, no conflicts (2 of 4 stars). 4 submissions from 4 submitters: Benign (1); Likely benign (3). Last evaluated 2025-11-04.

Submissions (4):

Mayo Clinic Laboratories, Mayo Clinic
Classification: Likely benign. Last evaluated: 2025-11-04. Review status: criteria provided, single submitter. Criteria: ACMG Guidelines, 2015. Collection method: clinical testing. Allele origin: germline. Observed: 10 variant alleles.
Comment: BP4, BP7

Laboratory of Genetics, Children's Clinical University Hospital Latvia
Classification: Likely benign. Last evaluated: 2025-02-16. Review status: criteria provided, single submitter. Criteria: ACMG Guidelines, 2015. Collection method: clinical testing. Allele origin: germline. Affected: yes.

Mendelics
Classification: Benign. Last evaluated: 2022-05-04. Review status: criteria provided, single submitter. Criteria: Mendelics Assertion Criteria 2019. Collection method: clinical testing. Allele origin: germline.

Labcorp Genetics (formerly Invitae), Labcorp
Classification: Likely benign. Last evaluated: 2019-12-15. Review status: criteria provided, single submitter. Criteria: Invitae Variant Classification Sherloc (09022015). Collection method: clinical testing. Allele origin: germline.

NM_001278064.2(GRM1):c.950+8TC[21]

Gene: GRM1 (glutamate metabotropic receptor 1; plus strand). Cytogenetic location: 6q24.3.
Variant type: Microsatellite.
Coding change: c.950+8TC[21] on transcript NM_001278064.2 (MANE Select); 21 copies in a row of the 2-base unit TC starting at c.950+8; the reference has 19 copies in a row; two copies, 4 bases duplicated.
Molecular consequence: intron variant.
Genome position (GRCh38, 1-based): chr6:146,159,639-146,159,642, TCTC duplicated; duplicating any 4 consecutive bases within chr6:146,159,605-146,159,642 gives the same sequence; the position shown is the placement nearest the transcript's 3' end. VCF-style (leftmost placement, unchanged base first): chr6-146159604-T-TTCTC. GRCh37 (hg19) VCF-style: chr6-146480740-T-TTCTC.
Other names: p.?; c.950+42_950+45dup (NM_001278064.1, NM_001278064.2); c.950+8TC[21] (NM_001278065.2, NM_001278066.1, NM_001278067.1).
Identifiers: ClinVar variation 781760 (VCV000781760.7), dbSNP rs72225459, ClinGen allele CA820323632.